The following is an entry in ClinVar:

ClinVar aggregate classification (germline): Uncertain significance. Review status: criteria provided, multiple submitters, no conflicts (2 of 4 stars). 2 submissions from 2 submitters: Uncertain significance (2). Last evaluated 2024-10-15.

Conditions:
Donnai-Barrow syndrome. Also called: DBS/FOAR SYNDROME; FACIOOCULOACOUSTICORENAL SYNDROME. Identifiers: Orphanet 2143, MedGen C1857277, MONDO:0009104, OMIM 222448.

Submissions (2):

Labcorp Genetics (formerly Invitae), Labcorp
Classification: Uncertain significance. Last evaluated: 2024-10-15. Review status: criteria provided, single submitter. Criteria: Invitae Variant Classification Sherloc (09022015). Collection method: clinical testing. Allele origin: germline.
Comment: This sequence change falls in intron 14 of the LRP2 gene. It does not directly change the encoded amino acid sequence of the LRP2 protein. It affects a nucleotide within the consensus splice site. This variant is present in population databases (rs759805322, gnomAD 0.03%). This variant has not been reported in the literature in individuals affected with LRP2-related conditions. ClinVar contains an entry for this variant (Variation ID: 1997113). Variants that disrupt the consensus splice site are a relatively common cause of aberrant splicing (PMID: 17576681, 9536098). Algorithms developed to predict the effect of sequence changes on RNA splicing suggest that this variant is not likely to affect RNA splicing. In summary, the available evidence is currently insufficient to determine the role of this variant in disease. Therefore, it has been classified as a Variant of Uncertain Significance.

Fulgent Genetics
Classification: Uncertain significance for Donnai-Barrow syndrome. Last evaluated: 2024-06-14. Review status: criteria provided, single submitter. Criteria: ACMG Guidelines, 2015. Collection method: clinical testing. Allele origin: germline.

Literature cited by the submitters: PubMed 17576681 (cited by Labcorp Genetics (formerly Invitae), Labcorp); PubMed 9536098 (cited by Labcorp Genetics (formerly Invitae), Labcorp).

NM_004525.3(LRP2):c.1975+2_1975+5dup

Gene: LRP2 (LDL receptor related protein 2; minus strand). Cytogenetic location: 2q31.1.
Variant type: Duplication.
Coding change: c.1975+2_1975+5dup on transcript NM_004525.3 (MANE Select); the canonical splice donor site of the intron after coding-DNA position 1975 through 5 bases into the intron after coding-DNA position 1975, 4 bases duplicated (TAAG; older notation c.1975+2_1975+5dupTAAG).
Molecular consequence: splice donor variant.
Genome position (GRCh38, 1-based): chr2:169,275,031-169,275,034, CTTA duplicated on the plus strand (TAAG on the coding strand, the reverse complement: LRP2 is on the minus strand); duplicating any 4 consecutive bases within chr2:169,275,031-169,275,035 gives the same sequence; the c. name uses the placement nearest the transcript's 3' end. VCF-style (leftmost placement, unchanged base first): chr2-169275030-G-GCTTA. GRCh37 (hg19) VCF-style: chr2-170131540-G-GCTTA.
Identifiers: ClinVar variation 1997113 (VCV001997113.5), dbSNP rs759805322, ClinGen allele CA1955433.